The following is an entry in ClinVar:

ClinVar aggregate classification (germline): Pathogenic (1 of 4 stars; one submission).

Submission:

Labcorp Genetics (formerly Invitae), Labcorp
Classification: Pathogenic. Last evaluated: 2022-02-08. Review status: criteria provided, single submitter. Criteria: Invitae Variant Classification Sherloc (09022015). Collection method: clinical testing. Allele origin: germline.
Comment: This variant is a gross deletion of the genomic region encompassing exon(s) 26-30 of the COL4A3 gene. This deletion is out-of-frame, and is expected to create a premature termination codon and result in an absent or disrupted protein product. Loss-of-function variants in COL4A3 are known to be pathogenic (PMID: 8956999, 24854265, 26809805, 27281700). This variant has not been reported in the literature in individuals affected with COL4A3-related conditions. For these reasons, this variant has been classified as Pathogenic.

Literature cited by the submitters: PubMed 8956999; PubMed 24854265; PubMed 26809805; PubMed 27281700.

NC_000002.12:g.(?_227272939)_(227280600_?)del

Gene: COL4A3 (collagen type IV alpha 3 chain; plus strand). Cytogenetic location: 2q36.3.
Variant type: Deletion.
Identifiers: ClinVar variation 832672 (VCV000832672.2).